The following is an entry in ClinVar:

ClinVar aggregate classification (germline): Uncertain significance (1 of 4 stars; one submission).

Submission:

Labcorp Genetics (formerly Invitae), Labcorp
Classification: Uncertain significance. Last evaluated: 2024-05-16. Review status: criteria provided, single submitter. Criteria: Invitae Variant Classification Sherloc (09022015). Collection method: clinical testing. Allele origin: germline.
Comment: This sequence change replaces alanine, which is neutral and non-polar, with proline, which is neutral and non-polar, at codon 5 of the GORAB protein (p.Ala5Pro). This variant is present in population databases (no rsID available, gnomAD 0.0009%). This variant has not been reported in the literature in individuals affected with GORAB-related conditions. An algorithm developed to predict the effect of missense changes on protein structure and function (PolyPhen-2) suggests that this variant is likely to be tolerated. In summary, the available evidence is currently insufficient to determine the role of this variant in disease. Therefore, it has been classified as a Variant of Uncertain Significance.

NC_000001.11:g.170532161G>C

Genes: GORAB (golgin, RAB6 interacting; plus strand), GORAB-AS1 (GORAB antisense RNA 1; minus strand). Cytogenetic location: 1q24.2.
Variant type: single nucleotide variant.
Genome position: GRCh38 VCF-style: chr1-170532161-G-C. GRCh37 (hg19) VCF-style: chr1-170501302-G-C.
Identifiers: ClinVar variation 3653633 (VCV003653633.2).